The following is an entry in ClinVar:

ClinVar aggregate classification (germline): Uncertain significance (1 of 4 stars; one submission).

Submission:

Labcorp Genetics (formerly Invitae), Labcorp
Classification: Uncertain significance. Last evaluated: 2021-02-21. Review status: criteria provided, single submitter. Criteria: Invitae Variant Classification Sherloc (09022015). Collection method: clinical testing. Allele origin: germline.
Comment: In summary, the available evidence is currently insufficient to determine the role of this variant in disease. Therefore, it has been classified as a Variant of Uncertain Significance. Experimental studies and prediction algorithms are not available or were not evaluated, and the functional significance of this variant is currently unknown. This variant has not been reported in the literature in individuals with ARHGEF10-related conditions. This variant is a gross deletion of the genomic region encompassing exon(s) 8-11 of the ARHGEF10 gene. This deletion is out-of-frame, and is expected to create a premature translational stop signal and result in an absent or disrupted protein product. However, the current clinical and genetic evidence is not sufficient to establish whether loss-of-function variants in ARHGEF10 cause disease.

NC_000008.10:g.(?_1824717)_(1833893_?)del

Gene: ARHGEF10 (Rho guanine nucleotide exchange factor 10; plus strand). Cytogenetic location: 8p23.3.
Variant type: Deletion.
Identifiers: ClinVar variation 1411840 (VCV001411840.7).